The following is an entry in ClinVar:

ClinVar aggregate classification (germline): Uncertain significance (1 of 4 stars; one submission).

Conditions:
Spastic paraplegia. Identifiers: MedGen C0037772, HP:0001258.

Submission:

Labcorp Genetics (formerly Invitae), Labcorp
Classification: Uncertain significance for Spastic paraplegia. Last evaluated: 2018-09-16. Review status: criteria provided, single submitter. Criteria: Invitae Variant Classification Sherloc (09022015). Collection method: clinical testing. Allele origin: germline.
Comment: In summary, the available evidence is currently insufficient to determine the role of this variant in disease. Therefore, it has been classified as a Variant of Uncertain Significance. Nucleotide substitutions within the consensus splice site are a relatively common cause of aberrant splicing (PMID: 17576681, 9536098). Algorithms developed to predict the effect of sequence changes on RNA splicing suggest that this variant may disrupt the consensus splice site, but this prediction has not been confirmed by published transcriptional studies. Algorithms developed to predict the effect of missense changes on protein structure and function (SIFT, PolyPhen-2, Align-GVGD) all suggest that this variant is likely to be tolerated, but these predictions have not been confirmed by published functional studies and their clinical significance is uncertain. This variant has been reported as hemizygous in individuals affected with L1 syndrome (PMID: 19846429). This variant is not present in population databases (ExAC no frequency). This sequence change replaces aspartic acid with asparagine at codon 516 of the L1CAM protein (p.Asp516Asn). The aspartic acid residue is weakly conserved and there is a small physicochemical difference between aspartic acid and asparagine. This variant also falls at the last nucleotide of exon 12 of the L1CAM coding sequence, which is part of the consensus splice site for this exon.

Literature cited by the submitters: PubMed 17576681; PubMed 9536098; PubMed 19846429.

NM_001278116.2(L1CAM):c.1546G>A (p.Asp516Asn)

Gene: L1CAM (L1 cell adhesion molecule; minus strand). Cytogenetic location: Xq28.
Variant type: single nucleotide variant.
Coding change: c.1546G>A on transcript NM_001278116.2 (MANE Select); coding-DNA position 1546, G replaced by A.
Protein change: p.Asp516Asn; replaces aspartic acid 516 with asparagine.
Molecular consequence: missense variant.
Genome position (GRCh38, 1-based): chrX:153,868,561, C>T on the plus strand (G>A on the coding strand, the complement: L1CAM is on the minus strand). VCF-style: chrX-153868561-C-T. GRCh37 (hg19) VCF-style: chrX-153134016-C-T.
Other names: c.1546G>A, p.Asp516Asn (NM_000425.5, NM_024003.3); c.1531G>A, p.Asp511Asn (NM_001143963.2); short protein forms D516N, D511N.
Identifiers: ClinVar variation 581446 (VCV000581446.9), dbSNP rs782367931, ClinGen allele CA415125451.